The following is an entry in ClinVar:

NM_000059.4(BRCA2):c.4344T>G (p.Asn1448Lys)

Gene: BRCA2 (BRCA2 DNA repair associated; plus strand). Cytogenetic location: 13q13.1.
Variant type: single nucleotide variant.
Coding change: c.4344T>G on transcript NM_000059.4 (MANE Select); coding-DNA position 4344, T replaced by G.
Protein change: p.Asn1448Lys; replaces asparagine 1448 with lysine.
Molecular consequence: missense variant.
Genome position (GRCh38, 1-based): chr13:32,338,699, T>G. VCF-style: chr13-32338699-T-G. GRCh37 (hg19) VCF-style: chr13-32912836-T-G.
Other names: short protein forms N1448K.
Identifiers: ClinVar variation 419211 (VCV000419211.21), dbSNP rs1064793724, ClinGen allele CA16619707.

ClinVar aggregate classification (germline): Conflicting classifications of pathogenicity. Review status: criteria provided, conflicting classifications (1 of 4 stars). 7 submissions from 7 submitters: Uncertain significance (6); Likely benign (1). Last evaluated 2025-11-17.

Conditions:
Hereditary cancer-predisposing syndrome. Also called: Hereditary neoplastic syndrome; Hereditary Cancer Syndrome; Neoplastic Syndromes, Hereditary; Tumor predisposition. Identifiers: Orphanet 140162, MedGen C0027672, MeSH D009386, MONDO:0015356.
Breast-ovarian cancer, familial, susceptibility to, 2 (BROVCA2). Also called: BRCA2 Hereditary Breast and Ovarian Cancer. Identifiers: Orphanet 145, MedGen C2675520, MONDO:0012933, OMIM 612555. Disease mechanism: loss of function.
Hereditary breast ovarian cancer syndrome. Also called: Hereditary breast and ovarian cancer syndrome; BRCA1- and BRCA2-Associated Hereditary Breast and Ovarian Cancer; Hereditary breast and/or ovarian cancer syndrome; Hereditary breast and ovarian cancer; Breast and ovarian cancer; Hereditary breast and ovarian cancer syndrome (HBOC). Identifiers: Orphanet 145, MedGen C0677776, MeSH D061325, MONDO:0003582. Disease mechanism: loss of function.

Allele frequency attached by ClinVar (database versions not stated): gnomAD 0.00001.
gnomAD v4.1: 1 of 1,591,940 alleles (0.000063%); highest among the groups gnomAD compares: Admixed American, 0.0017%; no homozygotes.

Submissions (7):

Ambry Genetics
Classification: Uncertain significance for Hereditary cancer-predisposing syndrome. Last evaluated: 2025-11-17. Review status: criteria provided, single submitter. Criteria: Ambry Variant Classification Scheme 2023. Collection method: clinical testing. Allele origin: germline.
Comment: The p.N1448K variant (also known as c.4344T>G), located in coding exon 10 of the BRCA2 gene, results from a T to G substitution at nucleotide position 4344. The asparagine at codon 1448 is replaced by lysine, an amino acid with similar properties. This amino acid position is not well conserved in available vertebrate species. In addition, this alteration is predicted to be tolerated by in silico analysis. Since supporting evidence is limited at this time, the clinical significance of this alteration remains unclear.

Labcorp Genetics (formerly Invitae), Labcorp
Classification: Uncertain significance for Hereditary breast ovarian cancer syndrome. Last evaluated: 2025-09-16. Review status: criteria provided, single submitter. Criteria: Invitae Variant Classification Sherloc (09022015). Collection method: clinical testing. Allele origin: germline.
Comment: This sequence change replaces asparagine, which is neutral and polar, with lysine, which is basic and polar, at codon 1448 of the BRCA2 protein (p.Asn1448Lys). This variant is not present in population databases (gnomAD no frequency). This variant has not been reported in the literature in individuals affected with BRCA2-related conditions. ClinVar contains an entry for this variant (Variation ID: 419211). Invitae Evidence Modeling of protein sequence and biophysical properties (such as structural, functional, and spatial information, amino acid conservation, physicochemical variation, residue mobility, and thermodynamic stability) indicates that this missense variant is not expected to disrupt BRCA2 protein function with a negative predictive value of 95%. RNA analysis performed to evaluate the impact of this missense change on mRNA splicing indicates it does not significantly alter splicing (internal data). In summary, the available evidence is currently insufficient to determine the role of this variant in disease. Therefore, it has been classified as a Variant of Uncertain Significance.

Institute for Biomarker Research, Medical Diagnostic Laboratories, L.L.C.
Classification: Uncertain significance for Hereditary breast ovarian cancer syndrome. Last evaluated: 2024-03-22. Review status: criteria provided, single submitter. Criteria: ACMG Guidelines, 2015. Collection method: clinical testing. Allele origin: germline.

All of Us Research Program, National Institutes of Health
Classification: Uncertain significance for Breast-ovarian cancer, familial, susceptibility to, 2. Last evaluated: 2023-12-14. Review status: criteria provided, single submitter. Criteria: ACMG Guidelines, 2015. Collection method: clinical testing. Allele origin: germline. Inheritance: Autosomal dominant inheritance. Observed: 1 variant allele, 1 heterozygote.
Comment: This missense variant replaces asparagine with lysine at codon 1448 of the BRCA2 protein. Computational prediction suggests that this variant may not impact protein structure and function (internally defined REVEL score threshold <= 0.5, PMID: 27666373). To our knowledge, functional studies have not been reported for this variant. This variant has not been reported in individuals affected with hereditary cancer in the literature. This variant has not been identified in the general population by the Genome Aggregation Database (gnomAD). The available evidence is insufficient to determine the role of this variant in disease conclusively. Therefore, this variant is classified as a Variant of Uncertain Significance.

This study involves interpretation of variants in research participants for the purpose of population health screening. Participant phenotype was not available at the time of variant classification. Additional details can be found in publication PMID: 35346344, PMCID: PMC8962531

University of Washington Department of Laboratory Medicine, University of Washington
Classification: Likely benign for Hereditary cancer-predisposing syndrome. Last evaluated: 2023-03-23. Review status: criteria provided, single submitter. Criteria: Dines et al. (Genet Med. 2020). Collection method: curation. Allele origin: germline.
Comment: Missense variant in a coldspot region where missense variants are very unlikely to be pathogenic (PMID:31911673).

BRCA2 exon 11 coldspot. Reclassification based on statistical prior probability.

GeneDx
Classification: Uncertain significance. Last evaluated: 2022-05-08. Review status: criteria provided, single submitter. Criteria: GeneDx Variant Classification Process June 2021. Collection method: clinical testing. Allele origin: germline. Affected: yes.
Comment: Not observed at significant frequency in large population cohorts (gnomAD); In silico analysis supports that this missense variant has a deleterious effect on protein structure/function; Has not been previously published as pathogenic or benign to our knowledge; Also known as 4572T>G; This variant is associated with the following publications: (PMID: 9002670, 22193408)

Women's Health and Genetics/Laboratory Corporation of America, LabCorp
Classification: Uncertain significance. Last evaluated: 2019-05-06. Review status: criteria provided, single submitter. Criteria: LabCorp Variant Classification Summary - May 2015. Collection method: clinical testing. Allele origin: germline.
Comment: Variant summary: BRCA2 c.4344T>G (p.Asn1448Lys) results in a non-conservative amino acid change located in the BRCA2 repeat domain of the encoded protein sequence. Three of five in-silico tools predict a benign effect of the variant on protein function. The variant was absent in 239056 control chromosomes (gnomAD). The available data on variant occurrences in the general population are insufficient to allow any conclusion about variant significance. To our knowledge, no occurrence of c.4344T>G in individuals affected with Hereditary Breast and Ovarian Cancer and no experimental evidence demonstrating its impact on protein function have been reported. Two clinical diagnostic laboratories have submitted clinical-significance assessments for this variant to ClinVar after 2014 without evidence for independent evaluation and classified the variant as uncertain significance. Based on the evidence outlined above, the variant was classified as uncertain significance.